The following is an entry in ClinVar:

ClinVar aggregate classification (germline): Pathogenic (1 of 4 stars; one submission).

Conditions:
Tay-Sachs disease (TSD). Also called: HEXA Disorders; HEXA DEFICIENCY; GM2 gangliosidosis, type 1; Hexosaminidase alpha-subunit deficiency (variant B); Sphingolipidosis, Tay-Sachs; Hexosaminidase A Deficiency. Identifiers: Orphanet 845, MedGen C0039373, MONDO:0010100, OMIM 272800.

Submission:

Labcorp Genetics (formerly Invitae), Labcorp
Classification: Pathogenic for Tay-Sachs disease. Last evaluated: 2025-05-19. Review status: criteria provided, single submitter. Criteria: Invitae Variant Classification Sherloc (09022015). Collection method: clinical testing. Allele origin: germline.
Comment: This sequence change affects a donor splice site in intron 7 of the HEXA gene. It is expected to disrupt RNA splicing. Variants that disrupt the donor or acceptor splice site typically lead to a loss of protein function (PMID: 16199547), and loss-of-function variants in HEXA are known to be pathogenic (PMID: 1833974, 8490625). This variant is not present in population databases (gnomAD no frequency). Disruption of this splice site has been observed in individual(s) with Tay-Sachs disease (PMID: 16088929). Algorithms developed to predict the effect of sequence changes on RNA splicing suggest that this variant may disrupt the consensus splice site. For these reasons, this variant has been classified as Pathogenic.

Literature cited by the submitters: PubMed 16199547; PubMed 1833974; PubMed 8490625; PubMed 16088929.

NM_000520.6(HEXA):c.805+2T>C

Gene: HEXA (hexosaminidase subunit alpha; minus strand). Cytogenetic location: 15q23.
Variant type: single nucleotide variant.
Coding change: c.805+2T>C on transcript NM_000520.6 (MANE Select); the canonical splice donor site of the intron after coding-DNA position 805, T replaced by C.
Molecular consequence: splice donor variant.
Genome position (GRCh38, 1-based): chr15:72,350,516, A>G on the plus strand (T>C on the coding strand, the complement: HEXA is on the minus strand). VCF-style: chr15-72350516-A-G. GRCh37 (hg19) VCF-style: chr15-72642857-A-G.
Other names: c.838+2T>C (NM_001318825.2).
Identifiers: ClinVar variation 4710194 (VCV004710194.1).